The following is an entry in ClinVar:

ClinVar aggregate classification (germline): Uncertain significance (1 of 4 stars; one submission).

Conditions:
Multiple acyl-CoA dehydrogenase deficiency (MADD). Also called: Glutaric aciduria, type 2; Glutaric acidemia type II; GA 2; ETHYLMALONIC-ADIPICACIDURIA; GA II; Glutaric Acidemia type 2. Identifiers: Orphanet 26791, MedGen C0268596, MONDO:0009282, OMIM 231680.

Submission:

Labcorp Genetics (formerly Invitae), Labcorp
Classification: Uncertain significance for Multiple acyl-CoA dehydrogenase deficiency. Last evaluated: 2023-07-10. Review status: criteria provided, single submitter. Criteria: Invitae Variant Classification Sherloc (09022015). Collection method: clinical testing. Allele origin: germline.
Comment: This sequence change replaces isoleucine, which is neutral and non-polar, with methionine, which is neutral and non-polar, at codon 135 of the ETFA protein (p.Ile135Met). This variant is not present in population databases (gnomAD no frequency). This variant has not been reported in the literature in individuals affected with ETFA-related conditions. ClinVar contains an entry for this variant (Variation ID: 1714403). Advanced modeling of protein sequence and biophysical properties (such as structural, functional, and spatial information, amino acid conservation, physicochemical variation, residue mobility, and thermodynamic stability) performed at Invitae indicates that this missense variant is expected to disrupt ETFA protein function. In summary, the available evidence is currently insufficient to determine the role of this variant in disease. Therefore, it has been classified as a Variant of Uncertain Significance.

NM_000126.4(ETFA):c.405C>G (p.Ile135Met)

Gene: ETFA (electron transfer flavoprotein subunit alpha; minus strand). Cytogenetic location: 15q24.2.
Variant type: single nucleotide variant.
Coding change: c.405C>G on transcript NM_000126.4 (MANE Select); coding-DNA position 405, C replaced by G.
Protein change: p.Ile135Met; replaces isoleucine 135 with methionine.
Molecular consequence: missense variant.
Genome position (GRCh38, 1-based): chr15:76,287,892, G>C on the plus strand (C>G on the coding strand, the complement: ETFA is on the minus strand). VCF-style: chr15-76287892-G-C. GRCh37 (hg19) VCF-style: chr15-76580233-G-C.
Other names: c.258C>G, p.Ile86Met (NM_001127716.2); short protein forms I135M, I86M.
Identifiers: ClinVar variation 1714403 (VCV001714403.6), dbSNP rs773433459, ClinGen allele CA393514976.